The following is an entry in ClinVar:

ClinVar aggregate classification (germline): Uncertain significance (1 of 4 stars; one submission).

Submission:

Labcorp Genetics (formerly Invitae), Labcorp
Classification: Uncertain significance. Last evaluated: 2025-06-12. Review status: criteria provided, single submitter. Criteria: Invitae Variant Classification Sherloc (09022015). Collection method: clinical testing. Allele origin: germline.
Comment: This sequence change affects codon 805 of the FBN3 mRNA. It is a 'silent' change, meaning that it does not change the encoded amino acid sequence of the FBN3 protein. It affects a nucleotide within the consensus splice site. This variant is not present in population databases (gnomAD no frequency). This variant has not been reported in the literature in individuals affected with FBN3-related conditions. ClinVar contains an entry for this variant (Variation ID: 3690043). Algorithms developed to predict the effect of sequence changes on RNA splicing suggest that this variant is not likely to affect RNA splicing. In summary, the available evidence is currently insufficient to determine the role of this variant in disease. Therefore, it has been classified as a Variant of Uncertain Significance.

NM_032447.5(FBN3):c.2415A>G (p.Leu805=)

Gene: FBN3 (fibrillin 3; minus strand). Cytogenetic location: 19p13.2.
Variant type: single nucleotide variant.
Coding change: c.2415A>G on transcript NM_032447.5 (MANE Select); coding-DNA position 2415, A replaced by G.
Protein change: p.Leu805=; no amino-acid change (leucine 805 retained).
Molecular consequence: synonymous variant.
Genome position (GRCh38, 1-based): chr19:8,126,714, T>C on the plus strand (A>G on the coding strand, the complement: FBN3 is on the minus strand). VCF-style: chr19-8126714-T-C. GRCh37 (hg19) VCF-style: chr19-8191598-T-C.
Other names: c.2415A>G, p.Leu805= (NM_001321431.2).
Identifiers: ClinVar variation 3690043 (VCV003690043.2).
Genomic context (GRCh38, chr19:8,126,714, plus strand): 5'-GCACCCTGACCCATAGACGCCCAGCCTCTGGAACGCCGTCGGGCTCCGGGGCCGCTCACC[T>C]AGACAGAAGGTACCAGAGGGGTCCAGCCGGCTGCCAGGGCCACATTTGCAGGTGTAGGAG-3'
Protein context (NP_115823.3, residues 795-815): SRLDPSGTFC[Leu805=]DSTKGTCWLK